The following is an entry in ClinVar:

NM_000535.7(PMS2):c.938A>G (p.Tyr313Cys)

Gene: PMS2 (PMS1 homolog 2, mismatch repair system component; minus strand). Cytogenetic location: 7p22.1.
Variant type: single nucleotide variant.
Coding change: c.938A>G on transcript NM_000535.7 (MANE Select); coding-DNA position 938, A replaced by G.
Protein change: p.Tyr313Cys; replaces tyrosine 313 with cysteine.
Molecular consequence: missense variant. On other transcripts: non-coding transcript variant (1).
Genome position (GRCh38, 1-based): chr7:5,992,023, T>C on the plus strand (A>G on the coding strand, the complement: PMS2 is on the minus strand). VCF-style: chr7-5992023-T-C. GRCh37 (hg19) VCF-style: chr7-6031654-T-C.
Other names: c.533A>G, p.Tyr178Cys (NM_001322003.2, NM_001322004.2, NM_001322005.2 and 2 more transcripts); c.938A>G, p.Tyr313Cys (NM_001322006.2, NM_001322014.2); c.620A>G, p.Tyr207Cys (NM_001322007.2, NM_001322008.2); c.5A>G, p.Tyr2Cys (NM_001322011.2, NM_001322012.2); c.365A>G, p.Tyr122Cys (NM_001322013.2); c.629A>G, p.Tyr210Cys (NM_001322015.2); short protein forms Y313C, Y2C, Y178C, Y210C, Y122C, Y207C.
Identifiers: ClinVar variation 142513 (VCV000142513.50), dbSNP rs587782513, ClinGen allele CA013326.

ClinVar aggregate classification (germline): Uncertain significance. Review status: criteria provided, multiple submitters, no conflicts (2 of 4 stars). 5 submissions from 5 submitters: Uncertain significance (5). Last evaluated 2024-10-04.

Conditions:
Hereditary nonpolyposis colorectal neoplasms. Identifiers: MedGen C0009405, MeSH D003123.
Hereditary cancer-predisposing syndrome. Also called: Hereditary Cancer Syndrome; Neoplastic Syndromes, Hereditary; Hereditary neoplastic syndrome; Tumor predisposition. Identifiers: Orphanet 140162, MedGen C0027672, MeSH D009386, MONDO:0015356.
Lynch syndrome 4 (LYNCH4). Also called: Colorectal cancer, hereditary nonpolyposis, type 4; Hereditary non-polyposis colorectal cancer, type 4. Identifiers: Orphanet 144, MedGen C1838333, MONDO:0013699, OMIM 614337. Disease mechanism: loss of function.

Allele frequency attached by ClinVar (database versions not stated): gnomAD exomes below 0.00001; ExAC 0.00001.
gnomAD v4.1: 1 of 1,602,494 alleles (0.000062%); no homozygotes.

Submissions (5):

Ambry Genetics
Classification: Uncertain significance for Hereditary cancer-predisposing syndrome. Last evaluated: 2024-10-04. Review status: criteria provided, single submitter. Criteria: Ambry Variant Classification Scheme 2023. Collection method: clinical testing. Allele origin: germline.
Comment: The p.Y313C variant (also known as c.938A>G), located in coding exon 9 of the PMS2 gene, results from an A to G substitution at nucleotide position 938. The tyrosine at codon 313 is replaced by cysteine, an amino acid with highly dissimilar properties. This amino acid position is highly conserved in available vertebrate species. In addition, this alteration is predicted to be deleterious by in silico analysis. Based on the available evidence, the clinical significance of this variant remains unclear.

Labcorp Genetics (formerly Invitae), Labcorp
Classification: Uncertain significance for Hereditary nonpolyposis colorectal neoplasms. Last evaluated: 2024-09-10. Review status: criteria provided, single submitter. Criteria: Invitae Variant Classification Sherloc (09022015). Collection method: clinical testing. Allele origin: germline.
Comment: This sequence change replaces tyrosine, which is neutral and polar, with cysteine, which is neutral and slightly polar, at codon 313 of the PMS2 protein (p.Tyr313Cys). This variant is present in population databases (rs587782513, gnomAD 0.01%). This missense change has been observed in individual(s) with thymic carcinoma (PMID: 2962502). ClinVar contains an entry for this variant (Variation ID: 142513). Invitae Evidence Modeling of protein sequence and biophysical properties (such as structural, functional, and spatial information, amino acid conservation, physicochemical variation, residue mobility, and thermodynamic stability) indicates that this missense variant is expected to disrupt PMS2 protein function with a positive predictive value of 80%. In summary, the available evidence is currently insufficient to determine the role of this variant in disease. Therefore, it has been classified as a Variant of Uncertain Significance.

Baylor Genetics
Classification: Uncertain significance for Lynch syndrome 4. Last evaluated: 2024-03-13. Review status: criteria provided, single submitter. Criteria: ACMG Guidelines, 2015. Collection method: clinical testing. Allele origin: unknown.

GeneDx
Classification: Uncertain significance. Last evaluated: 2022-12-13. Review status: criteria provided, single submitter. Criteria: GeneDx Variant Classification Process June 2021. Collection method: clinical testing. Allele origin: germline. Affected: yes.
Comment: Not observed at significant frequency in large population cohorts (gnomAD); In silico analysis supports that this missense variant has a deleterious effect on protein structure/function; Observed in individuals with thymoma or other cancer (Huang et al., 2018; Li et al., 2020); This variant is associated with the following publications: (PMID: 29625052, 31391288, 11574484)

Sema4
Classification: Uncertain significance for Hereditary cancer-predisposing syndrome. Last evaluated: 2021-05-01. Review status: criteria provided, single submitter. Criteria: Sema4 Curation Guidelines. Collection method: curation. Allele origin: germline.
Comment: The PMS2 c.938A>G (p.Y313C) variant has been reported in heterozygosity in at least two individuals with Lynch syndrome or thymoma (PMID: 29625052, 31391288). This variant was observed in 1/251298 chromosomes across the different populations included in the Genome Aggregation Database (PMID: 32461654) and has been reported in ClinVar (Variation ID: 142513). In silico tools suggest the impact of the variant on protein function is deleterious, though these predictions have not been confirmed by functional studies. Based on the current evidence available, this variant is interpreted as a variant of uncertain significance.

Literature cited by the submitters: PubMed 2962502 (cited by Labcorp Genetics (formerly Invitae), Labcorp); PubMed 29625052 (cited by Sema4); PubMed 31391288 (cited by Sema4).